The following is an entry in ClinVar:

ClinVar aggregate classification (germline): Uncertain significance. Review status: criteria provided, multiple submitters, no conflicts (2 of 4 stars). 2 submissions from 2 submitters: Uncertain significance (2). Last evaluated 2025-06-12.

Conditions:
Xanthinuria type II. Also called: Xanthine dehydrogenase and aldehyde oxidase combined deficiency of; XDH and AOX dual deficiency. Identifiers: Orphanet 3467, Orphanet 93602, MedGen C1863688, MONDO:0011346, OMIM 603592.
Hereditary xanthinuria type 1 (XAN1). Identifiers: Orphanet 3467, Orphanet 93601, MedGen C0268118, MONDO:0010209, OMIM 278300.

Allele frequency attached by ClinVar (database versions not stated): ExAC 0.00003; gnomAD 0.00008.
gnomAD v4.1: 66 of 1,614,008 alleles (0.0041%); highest among the groups gnomAD compares: Admixed American, 0.04%; no homozygotes.

Submissions (2):

Labcorp Genetics (formerly Invitae), Labcorp
Classification: Uncertain significance for Xanthinuria type II. Last evaluated: 2025-06-12. Review status: criteria provided, single submitter. Criteria: Invitae Variant Classification Sherloc (09022015). Collection method: clinical testing. Allele origin: germline.
Comment: This sequence change replaces cysteine, which is neutral and slightly polar, with tyrosine, which is neutral and polar, at codon 749 of the XDH protein (p.Cys749Tyr). This variant is present in population databases (rs755854585, gnomAD 0.04%). This variant has not been reported in the literature in individuals affected with XDH-related conditions. ClinVar contains an entry for this variant (Variation ID: 2072322). An algorithm developed to predict the effect of missense changes on protein structure and function (PolyPhen-2) suggests that this variant is likely to be disruptive. In summary, the available evidence is currently insufficient to determine the role of this variant in disease. Therefore, it has been classified as a Variant of Uncertain Significance.

Fulgent Genetics
Classification: Uncertain significance for Hereditary xanthinuria type 1. Last evaluated: 2024-02-07. Review status: criteria provided, single submitter. Criteria: ACMG Guidelines, 2015. Collection method: clinical testing. Allele origin: germline.

NM_000379.4(XDH):c.2246G>A (p.Cys749Tyr)

Gene: XDH (xanthine dehydrogenase; minus strand). Cytogenetic location: 2p23.1.
Variant type: single nucleotide variant.
Coding change: c.2246G>A on transcript NM_000379.4 (MANE Select); coding-DNA position 2246, G replaced by A.
Protein change: p.Cys749Tyr; replaces cysteine 749 with tyrosine.
Molecular consequence: missense variant.
Genome position (GRCh38, 1-based): chr2:31,366,946, C>T on the plus strand (G>A on the coding strand, the complement: XDH is on the minus strand). VCF-style: chr2-31366946-C-T. GRCh37 (hg19) VCF-style: chr2-31589812-C-T.
Other names: short protein forms C749Y.
Identifiers: ClinVar variation 2072322 (VCV002072322.3), dbSNP rs755854585, ClinGen allele CA1598894.